The following is an entry in ClinVar:

ClinVar aggregate classification (germline): Pathogenic. Review status: criteria provided, multiple submitters, no conflicts (2 of 4 stars). 9 submissions from 9 submitters: Pathogenic (8). 1 of the submissions does not count toward it. Last evaluated 2026-02-04.

Conditions:
Leber congenital amaurosis (LCA). Also called: Leber's amaurosis. Identifiers: Orphanet 65, MedGen C0339527, MeSH D057130, MONDO:0018998.
CEP290-related disorder. Also called: CEP290-related disorders; CEP290-related condition. Identifiers: MedGen CN239314.
Joubert syndrome 5 (JBTS5). Identifiers: Orphanet 2318, MedGen C1857780, MONDO:0012432, OMIM 610188.
Senior-Loken syndrome 6 (SLSN6). Identifiers: Orphanet 3156, MedGen C1857779, MONDO:0012433, OMIM 610189.
Bardet-Biedl syndrome 14 (BBS14). Identifiers: Orphanet 110, MedGen C2673874, MONDO:0014442, OMIM 615991.
Leber congenital amaurosis 10 (LCA10). Identifiers: Orphanet 65, MedGen C1857821, MONDO:0012723, OMIM 611755.
Meckel syndrome, type 4 (MKS4). Also called: MECKEL-GRUBER SYNDROME, TYPE 4. Identifiers: Orphanet 564, MedGen C1970161, MONDO:0012626, OMIM 611134.
Meckel-Gruber syndrome. Also called: GRUBER SYNDROME; DYSENCEPHALIA SPLANCHNOCYSTICA; Dysencephalia splachnocystica. Identifiers: Orphanet 564, MedGen C0265215, MONDO:0018921.
Joubert syndrome. Also called: JOUBERT-BOLTSHAUSER SYNDROME; Familial aplasia of the vermis. Identifiers: Orphanet 475, MedGen C5979921, MONDO:0018772.
Nephronophthisis. Also called: Juvenile Nephronophthisis. Identifiers: Orphanet 655, MedGen C0687120, MONDO:0019005, HP:0000090.

Allele frequency attached by ClinVar (database versions not stated): gnomAD 0.00002 and 0.00003; TOPMed 0.00002; gnomAD exomes 0.00004; ExAC 0.00005.
gnomAD v4.1: 26 of 1,307,728 alleles (0.002%); highest among the groups gnomAD compares: South Asian, 0.02%; no homozygotes.

Submissions (9):

PreventionGenetics, part of Exact Sciences
Classification: Pathogenic for CEP290-related condition. Last evaluated: 2026-02-04. Review status: criteria provided, single submitter. Criteria: ACMG Guidelines, 2015. Collection method: clinical testing. Allele origin: germline.
Comment: The CEP290 c.1078C>T variant is predicted to result in premature protein termination (p.Arg360*). This variant has been reported along with a second pathogenic CEP290 variant in individuals with autosomal recessive Leber congenital amaurosis and retinitis pigmentosa (see for example, Yzer et al. 2012. PubMed ID: 22355252, patient 15; Wang et al. 2014. PubMed ID: 25097241). This variant is reported in 0.018% of alleles in individuals of South Asian descent in gnomAD. Nonsense variants in CEP290 are expected to be pathogenic. This variant is interpreted as pathogenic.

Natera, Inc.
Classification: Pathogenic for Leber congenital amaurosis. Last evaluated: 2025-12-26. Review status: criteria provided, single submitter. Criteria: Natera Variant Classification Schema (03/2026). Collection method: clinical testing. Allele origin: germline.
Comment: The c.1078C>T variant in CEP290 is a nonsense variant predicted to introduce a stop codon at amino acid 360. This variant is expected to result in nonsense mediated decay, truncation, or a dysfunctional protein product. This variant is rare in the general population with a frequency below the threshold expected for the associated phenotype(s). This variant has been observed in one or more individuals affected with the associated recessive disease, as either homozygous or compound heterozygous with a second variant (PMID: 27208204, 22355252, 26062849, 36369640). Given the available evidence, this variant is classified as Pathogenic.

Labcorp Genetics (formerly Invitae), Labcorp
Classification: Pathogenic for Joubert syndrome; Meckel-Gruber syndrome; Nephronophthisis. Last evaluated: 2025-11-27. Review status: criteria provided, single submitter. Criteria: Invitae Variant Classification Sherloc (09022015). Collection method: clinical testing. Allele origin: germline.
Comment: This sequence change creates a premature translational stop signal (p.Arg360*) in the CEP290 gene. It is expected to result in an absent or disrupted protein product. Loss-of-function variants in CEP290 are known to be pathogenic (PMID: 16909394, 17345604, 20690115). The frequency data for this variant in the population databases is considered unreliable, as metrics indicate poor data quality at this position in the gnomAD database. This premature translational stop signal has been observed in individual(s) with autosomal recessive Leber congenital amaurosis and autosomal recessive retinitis pigmentosa (PMID: 22355252, 25097241). ClinVar contains an entry for this variant (Variation ID: 530911). For these reasons, this variant has been classified as Pathogenic.

Fulgent Genetics
Classification: Pathogenic for Joubert syndrome 5; Senior-Loken syndrome 6; Meckel syndrome, type 4; Leber congenital amaurosis 10; Bardet-Biedl syndrome 14. Last evaluated: 2024-06-06. Review status: criteria provided, single submitter. Criteria: ACMG Guidelines, 2015. Collection method: clinical testing. Allele origin: germline.

Baylor Genetics
Classification: Pathogenic for Bardet-Biedl syndrome 14. Last evaluated: 2024-02-07. Review status: criteria provided, single submitter. Criteria: ACMG Guidelines, 2015. Collection method: clinical testing. Allele origin: unknown.

Revvity Omics, Revvity
Classification: Pathogenic. Last evaluated: 2023-02-06. Review status: criteria provided, single submitter. Criteria: ACMG Guidelines, 2015. Collection method: clinical testing. Allele origin: germline.

Blueprint Genetics
Classification: Pathogenic for CEP290-related disorders. Last evaluated: 2021-08-30. Review status: criteria provided, single submitter. Criteria: ACMG Guidelines, 2015. Collection method: clinical testing. Allele origin: germline. Affected: yes. Observed: 5 variant alleles.

GeneDx
Classification: Pathogenic. Last evaluated: 2021-04-27. Review status: criteria provided, single submitter. Criteria: GeneDx Variant Classification Process June 2021. Collection method: clinical testing. Allele origin: germline. Affected: yes.
Comment: Nonsense variant predicted to result in protein truncation or nonsense mediated decay in a gene for which loss-of-function is a known mechanism of disease; This variant is associated with the following publications: (PMID: 22355252, 25097241)

Department of Pathology and Laboratory Medicine, Sinai Health System
Classification: Pathogenic. Review status: no assertion criteria provided. Collection method: clinical testing. Allele origin: unknown. Affected: yes. Study: The Canadian Open Genetics Repository (COGR). Not counted in ClinVar's aggregate classification.
Comment: The CEP290 p.R360* variant was identified as a compound heterozygous variant in multiple individuals with Leber congenital amaurosis and retinitis pigmentosa (Yzer_2012_PMID: 22355252; Wang_2014_PMID: 25097241). The variant was identified in dbSNP (ID: rs776645403) and ClinVar (classified as pathogenic by Fulgent Genetics and Invitae). The variant was identified in control databases in 3 of 79762 chromosomes at a frequency of 0.00003761 (Genome Aggregation Database March 6, 2019, v2.1.1). The c.1078C>T variant leads to a premature stop codon at position 360 which is predicted to lead to a truncated or absent protein and loss of function. Loss of function variants of the CEP290 gene are a mechanism of disease in the autosomal recessive conditions: Joubert syndrome, Leber congenital amaurosis, Meckel syndrome, Senior-Loken syndrome, and Bardet-Biedl syndrome. In summary, based on the above information this variant meets our laboratoryâ€šÃ„Ã´s criteria to be classified as pathogenic.

Literature cited by the submitters: PubMed 27208204 (cited by Natera, Inc.); PubMed 22355252 (cited by Natera, Inc. and Labcorp Genetics (formerly Invitae), Labcorp); PubMed 26062849 (cited by Natera, Inc.); PubMed 36369640 (cited by Natera, Inc.); PubMed 16909394 (cited by Labcorp Genetics (formerly Invitae), Labcorp); PubMed 17345604 (cited by Labcorp Genetics (formerly Invitae), Labcorp); PubMed 20690115 (cited by Labcorp Genetics (formerly Invitae), Labcorp); PubMed 25097241 (cited by Labcorp Genetics (formerly Invitae), Labcorp).

NM_025114.4(CEP290):c.1078C>T (p.Arg360Ter)

Gene: CEP290 (centrosomal protein 290; minus strand). Cytogenetic location: 12q21.32.
Variant type: single nucleotide variant.
Coding change: c.1078C>T on transcript NM_025114.4 (MANE Select); coding-DNA position 1078, C replaced by T.
Protein change: p.Arg360Ter; replaces arginine 360 with a stop codon.
Molecular consequence: nonsense.
Genome position (GRCh38, 1-based): chr12:88,125,357, G>A on the plus strand (C>T on the coding strand, the complement: CEP290 is on the minus strand). VCF-style: chr12-88125357-G-A. GRCh37 (hg19) VCF-style: chr12-88519134-G-A.
Other names: short protein forms R360*.
Identifiers: ClinVar variation 530911 (VCV000530911.28), dbSNP rs776645403, ClinGen allele CA6712624.
Genomic context (GRCh38, chr12:88,125,357, plus strand): 5'-TTTCCATTTCTTTTGTATATTGTTCTACTTGTTCGGTGAGCATCTTAATTTGACTGTCTC[G>A]TTCCTGTATACCCTATAAAATATTTTAAAACAATATATATCCCTTCATGAATATTAACCT-3'